The following is an entry in ClinVar:

NM_000094.4(COL7A1):c.1997C>T (p.Ser666Leu)

Gene: COL7A1 (collagen type VII alpha 1 chain; minus strand). Cytogenetic location: 3p21.31.
Variant type: single nucleotide variant.
Coding change: c.1997C>T on transcript NM_000094.4 (MANE Select); coding-DNA position 1997, C replaced by T.
Protein change: p.Ser666Leu; replaces serine 666 with leucine.
Molecular consequence: missense variant.
Genome position (GRCh38, 1-based): chr3:48,590,266, G>A on the plus strand (C>T on the coding strand, the complement: COL7A1 is on the minus strand). VCF-style: chr3-48590266-G-A. GRCh37 (hg19) VCF-style: chr3-48627699-G-A.
Other names: short protein forms S666L.
Identifiers: ClinVar variation 1410048 (VCV001410048.6), dbSNP rs748075413, ClinGen allele CA2381044.

ClinVar aggregate classification (germline): Uncertain significance (1 of 4 stars; one submission).

Allele frequency attached by ClinVar (database versions not stated): gnomAD 0.00001; ExAC 0.00002; TOPMed 0.00001; gnomAD exomes 0.00002.
gnomAD v4.1: 26 of 1,613,834 alleles (0.0016%); highest among the groups gnomAD compares: Middle Eastern, 0.016%; no homozygotes.

Submission:

Labcorp Genetics (formerly Invitae), Labcorp
Classification: Uncertain significance. Last evaluated: 2024-05-22. Review status: criteria provided, single submitter. Criteria: Invitae Variant Classification Sherloc (09022015). Collection method: clinical testing. Allele origin: germline.
Comment: This sequence change replaces serine, which is neutral and polar, with leucine, which is neutral and non-polar, at codon 666 of the COL7A1 protein (p.Ser666Leu). This variant is present in population databases (rs748075413, gnomAD 0.003%). This variant has not been reported in the literature in individuals affected with COL7A1-related conditions. ClinVar contains an entry for this variant (Variation ID: 1410048). Advanced modeling of protein sequence and biophysical properties (such as structural, functional, and spatial information, amino acid conservation, physicochemical variation, residue mobility, and thermodynamic stability) performed at Invitae indicates that this missense variant is not expected to disrupt COL7A1 protein function with a negative predictive value of 95%. In summary, the available evidence is currently insufficient to determine the role of this variant in disease. Therefore, it has been classified as a Variant of Uncertain Significance.